The following is an entry in ClinVar:

ClinVar aggregate classification (germline): Benign. Review status: criteria provided, multiple submitters, no conflicts (2 of 4 stars). 3 submissions from 3 submitters: Benign (2). 1 of the submissions does not count toward it. Last evaluated 2018-07-15.

Conditions:
PLXNB1-related disorder. Also called: PLXNB1-related condition.

Allele frequency attached by ClinVar (database versions not stated): gnomAD exomes 0.00131 and 0.00324; ExAC 0.00413; 1000 Genomes Project 0.01358; gnomAD 0.01366; 1000 Genomes Project 30x 0.01405; TOPMed 0.01450; ESP Exome Variant Server 0.01499.
gnomAD v4.1: 3,925 of 1,613,232 alleles (0.24%); highest among the groups gnomAD compares: African/African-American, 4.4%; 65 homozygotes.

Submissions (3):

Labcorp Genetics (formerly Invitae), Labcorp
Classification: Benign. Last evaluated: 2018-07-15. Review status: criteria provided, single submitter. Criteria: Invitae Variant Classification Sherloc (09022015). Collection method: clinical testing. Allele origin: germline.

Breakthrough Genomics
Classification: Benign. Review status: criteria provided, single submitter. Criteria: ACMG Guidelines, 2015. Collection method: not provided. Allele origin: germline. Inheritance: Unknown mechanism. Affected: yes.

PreventionGenetics, part of Exact Sciences
Classification: Benign for PLXNB1-related condition. Last evaluated: 2019-05-03. Review status: no assertion criteria provided. Collection method: clinical testing. Allele origin: germline. Not counted in ClinVar's aggregate classification.
Comment: This variant is classified as benign based on ACMG/AMP sequence variant interpretation guidelines (Richards et al. 2015 PMID: 25741868, with internal and published modifications).

NM_001130082.3(PLXNB1):c.4866G>A (p.Thr1622=)

Gene: PLXNB1 (plexin B1; minus strand). Cytogenetic location: 3p21.31.
Variant type: single nucleotide variant.
Coding change: c.4866G>A on transcript NM_001130082.3 (MANE Select); coding-DNA position 4866, G replaced by A.
Protein change: p.Thr1622=; no amino-acid change (threonine 1622 retained).
Molecular consequence: synonymous variant.
Genome position (GRCh38, 1-based): chr3:48,412,609, C>T on the plus strand (G>A on the coding strand, the complement: PLXNB1 is on the minus strand). VCF-style: chr3-48412609-C-T. GRCh37 (hg19) VCF-style: chr3-48454018-C-T.
Other names: c.4866G>A, p.Thr1622= (NM_002673.6).
Identifiers: ClinVar variation 712524 (VCV000712524.6), dbSNP rs34555887, ClinGen allele CA2374102.
Genomic context (GRCh38, chr3:48,412,609, plus strand): 5'-GGTGAGCAGAGATGCCACGTAGGCACGGTCCCGAGCTGAAAAGGTGCGCTGGCTCTCCAG[C>T]GTGTGGATGAACTGCAGCCAAAGAGAAGGGATGGGAAAAGGGGTTTAGGGGGACAGAGGG-3'
Protein context (NP_001123554.1, residues 1612-1632): SKLFLTKFIH[Thr1622=]LESQRTFSAR